The following is an entry in ClinVar:

ClinVar aggregate classification (germline): Uncertain significance (1 of 4 stars; one submission).

gnomAD v4.1: 2 of 1,614,004 alleles (0.00012%); highest among the groups gnomAD compares: Admixed American, 0.0033%; no homozygotes.

Submission:

Labcorp Genetics (formerly Invitae), Labcorp
Classification: Uncertain significance. Last evaluated: 2025-09-30. Review status: criteria provided, single submitter. Criteria: Invitae Variant Classification Sherloc (09022015). Collection method: clinical testing. Allele origin: germline.
Comment: This sequence change replaces isoleucine, which is neutral and non-polar, with methionine, which is neutral and non-polar, at codon 663 of the FCHO1 protein (p.Ile663Met). This variant is not present in population databases (gnomAD no frequency). This variant has not been reported in the literature in individuals affected with FCHO1-related conditions. An algorithm developed to predict the effect of missense changes on protein structure and function (PolyPhen-2) suggests that this variant is likely to be disruptive. In summary, the available evidence is currently insufficient to determine the role of this variant in disease. Therefore, it has been classified as a Variant of Uncertain Significance.

NM_015122.3(FCHO1):c.1989C>G (p.Ile663Met)

Gene: FCHO1 (FCH and mu domain containing endocytic adaptor 1; plus strand). Cytogenetic location: 19p13.11.
Variant type: single nucleotide variant.
Coding change: c.1989C>G on transcript NM_015122.3 (MANE Select); coding-DNA position 1989, C replaced by G.
Protein change: p.Ile663Met; replaces isoleucine 663 with methionine.
Molecular consequence: missense variant. On other transcripts: non-coding transcript variant (36).
Genome position (GRCh38, 1-based): chr19:17,783,068, C>G. VCF-style: chr19-17783068-C-G. GRCh37 (hg19) VCF-style: chr19-17893877-C-G.
Other names: c.1989C>G, p.Ile663Met (NM_001161357.2, NM_001161358.2, NM_001384370.1 and 13 more transcripts); c.1839C>G, p.Ile613Met (NM_001161359.2, NM_001384384.1, NM_001384385.1 and 1 more transcripts); c.1950C>G, p.Ile650Met (NM_001384388.1, NM_001384389.1, NM_001384405.1); c.1914C>G, p.Ile638Met (NM_001384390.1); c.1872C>G, p.Ile624Met (NM_001384392.1, NM_001384393.1, NM_001384394.1 and 1 more transcripts); c.1713C>G, p.Ile571Met (NM_001384396.1, NM_001384397.1, NM_001384398.1 and 5 more transcripts); c.1668C>G, p.Ile556Met (NM_001384403.1); c.1563C>G, p.Ile521Met (NM_001384406.1); and 1 more; short protein forms I556M, I613M, I663M, I473M, I521M, I624M, I650M, I638M.
Identifiers: ClinVar variation 4696724 (VCV004696724.1).